The following is an entry in ClinVar:

ClinVar aggregate classification (germline): Uncertain significance (1 of 4 stars; one submission).

Conditions:
Psoriasis 2. Identifiers: MedGen C1864497, MONDO:0011269, OMIM 602723.
Pityriasis rubra pilaris (PRP). Also called: Pityriasis rubra pilaris--familial type. Identifiers: Orphanet 2897, MedGen C0032027, MONDO:0100017, OMIM 173200, MONDO:0008251.

Submission:

Labcorp Genetics (formerly Invitae), Labcorp
Classification: Uncertain significance for Pityriasis rubra pilaris; Psoriasis 2. Last evaluated: 2023-03-20. Review status: criteria provided, single submitter. Criteria: Invitae Variant Classification Sherloc (09022015). Collection method: clinical testing. Allele origin: germline.
Comment: This variant has not been reported in the literature in individuals affected with CARD14-related conditions. In summary, the available evidence is currently insufficient to determine the role of this variant in disease. Therefore, it has been classified as a Variant of Uncertain Significance. This sequence change creates a premature translational stop signal (p.Phe112Argfs*4) in the CARD14 gene. It is expected to result in an absent or disrupted protein product. However, the current clinical and genetic evidence is not sufficient to establish whether loss-of-function variants in CARD14 cause disease. This variant is not present in population databases (gnomAD no frequency).

NM_001366385.1(CARD14):c.333_334insCGAC (p.Phe112fs)

Gene: CARD14 (caspase recruitment domain family member 14; plus strand). Cytogenetic location: 17q25.3.
Variant type: Insertion.
Coding change: c.333_334insCGAC on transcript NM_001366385.1 (MANE Select); coding-DNA positions 333 to 334, CGAC inserted.
Protein change: p.Phe112fs; shifts the reading frame from phenylalanine 112.
Molecular consequence: frameshift variant. On other transcripts: non-coding transcript variant (1).
Genome position: GRCh38 VCF-style: chr17-80182771-T-TGACC. GRCh37 (hg19) VCF-style: chr17-78156570-T-TGACC.
Other names: c.333_334insCGAC, p.Phe112fs (NM_001257970.1, NM_024110.4); short protein forms F112fs.
Identifiers: ClinVar variation 2945548 (VCV002945548.3), dbSNP rs2510569318, ClinGen allele CA2740093946.
Genomic context (GRCh38, chr17:80,182,771, plus strand): 5'-GAGCCTGAAGTTCCACAACCCTGACGTCTACACCCTGGTCACCGGGCTGCAGCCTGATGT[T>TGACC]GACTTCAGTAACTTTAGCGGTGAGAGCTCCGACTTTGACGGTTTGGCAGGCACTTCTAGG-3'